The following is an entry in ClinVar:

ClinVar aggregate classification (germline): Uncertain significance (1 of 4 stars; one submission).

Submission:

Labcorp Genetics (formerly Invitae), Labcorp
Classification: Uncertain significance. Last evaluated: 2026-02-01. Review status: criteria provided, single submitter. Criteria: Invitae Variant Classification Sherloc (09022015). Collection method: clinical testing. Allele origin: germline.
Comment: This sequence change replaces cysteine, which is neutral and slightly polar, with arginine, which is basic and polar, at codon 520 of the DDX58 protein (p.Cys520Arg). This variant is not present in population databases (gnomAD no frequency). This variant has not been reported in the literature in individuals affected with DDX58-related conditions. Invitae Evidence Modeling of protein sequence and biophysical properties (such as structural, functional, and spatial information, amino acid conservation, physicochemical variation, residue mobility, and thermodynamic stability) indicates that this missense variant is expected to disrupt DDX58 protein function with a positive predictive value of 80%. In summary, the available evidence is currently insufficient to determine the role of this variant in disease. Therefore, it has been classified as a Variant of Uncertain Significance.

NM_014314.4(RIGI):c.1558T>C (p.Cys520Arg)

Gene: RIGI (RNA sensor RIG-I; minus strand). Cytogenetic location: 9p21.1.
Variant type: single nucleotide variant.
Coding change: c.1558T>C on transcript NM_014314.4 (MANE Select); coding-DNA position 1558, T replaced by C.
Protein change: p.Cys520Arg; replaces cysteine 520 with arginine.
Molecular consequence: missense variant.
Genome position (GRCh38, 1-based): chr9:32,481,420, A>G on the plus strand (T>C on the coding strand, the complement: RIGI is on the minus strand). VCF-style: chr9-32481420-A-G. GRCh37 (hg19) VCF-style: chr9-32481418-A-G.
Other names: c.1552T>C, p.Cys518Arg (NM_001385907.1); c.1558T>C, p.Cys520Arg (NM_001385909.1); c.1117T>C, p.Cys373Arg (NM_001385910.1); c.949T>C, p.Cys317Arg (NM_001385912.1); c.1543T>C, p.Cys515Arg (NM_001385913.1); c.1114T>C, p.Cys372Arg (NM_001385914.1); short protein forms C373R, C372R, C518R, C317R, C520R, C515R.
Identifiers: ClinVar variation 4703216 (VCV004703216.1).
Genomic context (GRCh38, chr9:32,481,420, plus strand): 5'-AAAACAGGGCTTTACAAATCCTGCTCTCTTCATCTTTGTCTGGCATCTGGAACACCATGC[A>G]TGCTTTCTGAACTGTAACAATCCATTGTTCATATTTCTGTGTTCCAAATTCCCTATTTTG-3'
Protein context (NP_055129.2, residues 510-530): EQWIVTVQKA[Cys520Arg]MVFQMPDKDE